The following is an entry in ClinVar:

NM_001089.3(ABCA3):c.1286-1G>C

Gene: ABCA3 (ATP binding cassette subfamily A member 3; minus strand). Cytogenetic location: 16p13.3.
Variant type: single nucleotide variant.
Coding change: c.1286-1G>C on transcript NM_001089.3 (MANE Select); the canonical splice acceptor site of the intron before coding-DNA position 1286, G replaced by C.
Molecular consequence: splice acceptor variant.
Genome position (GRCh38, 1-based): chr16:2,304,151, C>G on the plus strand (G>C on the coding strand, the complement: ABCA3 is on the minus strand). VCF-style: chr16-2304151-C-G. GRCh37 (hg19) VCF-style: chr16-2354152-C-G.
Identifiers: ClinVar variation 4772489 (VCV004772489.1).

ClinVar aggregate classification (germline): Likely pathogenic (1 of 4 stars; one submission).

Submission:

Labcorp Genetics (formerly Invitae), Labcorp
Classification: Likely pathogenic. Last evaluated: 2025-10-23. Review status: criteria provided, single submitter. Criteria: Invitae Variant Classification Sherloc (09022015). Collection method: clinical testing. Allele origin: germline.
Comment: This sequence change affects an acceptor splice site in intron 11 of the ABCA3 gene. It is expected to disrupt RNA splicing. Variants that disrupt the donor or acceptor splice site typically lead to a loss of protein function (PMID: 16199547), and loss-of-function variants in ABCA3 are known to be pathogenic (PMID: 27516224). This variant is not present in population databases (gnomAD no frequency). This variant has not been reported in the literature in individuals affected with ABCA3-related conditions. Algorithms developed to predict the effect of sequence changes on RNA splicing suggest that this variant may disrupt the consensus splice site. In summary, the currently available evidence indicates that the variant is pathogenic, but additional data are needed to prove that conclusively. Therefore, this variant has been classified as Likely Pathogenic.

Literature cited by the submitters: PubMed 16199547; PubMed 27516224.